The following is an entry in ClinVar:

NM_198834.3(ACACA):c.6442C>T (p.Arg2148Ter)

Gene: ACACA (acetyl-CoA carboxylase alpha; minus strand). Cytogenetic location: 17q12.
Variant type: single nucleotide variant.
Coding change: c.6442C>T on transcript NM_198834.3 (MANE Select); coding-DNA position 6442, C replaced by T.
Protein change: p.Arg2148Ter; replaces arginine 2148 with a stop codon.
Molecular consequence: nonsense.
Genome position (GRCh38, 1-based): chr17:37,113,098, G>A on the plus strand (C>T on the coding strand, the complement: ACACA is on the minus strand). VCF-style: chr17-37113098-G-A. GRCh37 (hg19) VCF-style: chr17-35470033-G-A.
Other names: c.6331C>T, p.Arg2111Ter (NM_198836.3, NM_198839.3); c.6157C>T, p.Arg2053Ter (NM_198837.2); c.6097C>T, p.Arg2033Ter (NM_198838.2); short protein forms R2111*, R2033*, R2053*, R2148*.
Identifiers: ClinVar variation 1976725 (VCV001976725.5), dbSNP rs981281419, ClinGen allele CA290412812.
Genomic context (GRCh38, chr17:37,113,098, plus strand): 5'-AGCTACAGGGTCCCTAAAGGCAGTGAATGGAAATGTGGAAGGCACGCTACCTGCTTTCTC[G>A]GTCAGCATACATCTCCATGTGCCGGGGGTTGATGGAGGAGTCAATCACCACCCAGGAGCC-3'

ClinVar aggregate classification (germline): Uncertain significance (1 of 4 stars; one submission).

Allele frequency attached by ClinVar (database versions not stated): gnomAD exomes below 0.00001; TOPMed below 0.00001.
gnomAD v4.1: 2 of 1,614,098 alleles (0.00012%); highest among the groups gnomAD compares: Non-Finnish European, 0.00017%; no homozygotes.

Submission:

Labcorp Genetics (formerly Invitae), Labcorp
Classification: Uncertain significance. Last evaluated: 2025-07-15. Review status: criteria provided, single submitter. Criteria: Invitae Variant Classification Sherloc (09022015). Collection method: clinical testing. Allele origin: germline.
Comment: This sequence change creates a premature translational stop signal (p.Arg2111*) in the ACACA gene. It is expected to result in an absent or disrupted protein product. However, the current clinical and genetic evidence is not sufficient to establish whether loss-of-function variants in ACACA cause disease. This variant is not present in population databases (gnomAD no frequency). This variant has not been reported in the literature in individuals affected with ACACA-related conditions. ClinVar contains an entry for this variant (Variation ID: 1976725). In summary, the available evidence is currently insufficient to determine the role of this variant in disease. Therefore, it has been classified as a Variant of Uncertain Significance.